The following is an entry in ClinVar:

ClinVar aggregate classification (germline): Uncertain significance (1 of 4 stars; one submission).

Allele frequency attached by ClinVar (database versions not stated): gnomAD exomes below 0.00001.
gnomAD v4.1: 1 of 1,547,652 alleles (0.000065%); highest among the groups gnomAD compares: Non-Finnish European, 0.000087%; no homozygotes.

Submission:

Labcorp Genetics (formerly Invitae), Labcorp
Classification: Uncertain significance. Last evaluated: 2022-07-25. Review status: criteria provided, single submitter. Criteria: Invitae Variant Classification Sherloc (09022015). Collection method: clinical testing. Allele origin: germline.
Comment: This variant has not been reported in the literature in individuals affected with SLCO2A1-related conditions. This variant is not present in population databases (gnomAD no frequency). This sequence change replaces glycine, which is neutral and non-polar, with aspartic acid, which is acidic and polar, at codon 8 of the SLCO2A1 protein (p.Gly8Asp). Algorithms developed to predict the effect of missense changes on protein structure and function (SIFT, PolyPhen-2, Align-GVGD) all suggest that this variant is likely to be tolerated. In summary, the available evidence is currently insufficient to determine the role of this variant in disease. Therefore, it has been classified as a Variant of Uncertain Significance.

NM_005630.3(SLCO2A1):c.23G>A (p.Gly8Asp)

Gene: SLCO2A1 (solute carrier organic anion transporter family member 2A1; minus strand). Cytogenetic location: 3q22.2.
Variant type: single nucleotide variant.
Coding change: c.23G>A on transcript NM_005630.3 (MANE Select); coding-DNA position 23, G replaced by A.
Protein change: p.Gly8Asp; replaces glycine 8 with aspartic acid.
Molecular consequence: missense variant.
Genome position (GRCh38, 1-based): chr3:134,029,780, C>T on the plus strand (G>A on the coding strand, the complement: SLCO2A1 is on the minus strand). VCF-style: chr3-134029780-C-T. GRCh37 (hg19) VCF-style: chr3-133748624-C-T.
Other names: short protein forms G8D.
Identifiers: ClinVar variation 2059920 (VCV002059920.4), dbSNP rs2472565256, ClinGen allele CA354617743.